The following is an entry in ClinVar:

ClinVar aggregate classification (germline): Benign (3 of 4 stars; one submission).

Conditions:
Breast-ovarian cancer, familial, susceptibility to, 1 (BROVCA1). Also called: BRCA1 Hereditary Breast and Ovarian Cancer; OVARIAN CANCER, SUSCEPTIBILITY TO. Identifiers: Orphanet 145, MedGen C2676676, MONDO:0011450, OMIM 604370. Disease mechanism: loss of function.

Submission:

Evidence-based Network for the Interpretation of Germline Mutant Alleles (ENIGMA)
Classification: Benign for Breast-ovarian cancer, familial, susceptibility to, 1. Last evaluated: 2016-09-28. Review status: reviewed by expert panel. Criteria: ENIGMA BRCA1/2 Classification Criteria (2015). Collection method: curation. Allele origin: germline.
Comment: Class 1 not pathogenic based on frequency >1% in an outbred sampleset. Frequency 0.2694 (European), 0.171 (African), 0.2622 (Admixed American/Latino), 0.3056 (East Asian), 0.4151 (South Asian), derived from 1000 genomes (2013-05-02).

NM_007294.4(BRCA1):c.135-1803dup

Gene: BRCA1 (BRCA1 DNA repair associated; minus strand). Cytogenetic location: 17q21.31.
Variant type: Duplication.
Coding change: c.135-1803dup on transcript NM_007294.4 (MANE Select); 1803 bases into the intron before coding-DNA position 135, one base duplicated (T; older notation c.135-1803dupT).
Molecular consequence: intron variant.
Genome position (GRCh38, 1-based): chr17:43,108,336, A duplicated on the plus strand (T on the coding strand, the reverse complement: BRCA1 is on the minus strand); the first of 14 consecutive A bases (chr17:43,108,336-43,108,349); duplicating any one gives the same sequence. VCF-style (leftmost placement, unchanged base first): chr17-43108335-C-CA. GRCh37 (hg19) VCF-style: chr17-41260352-C-CA.
Other names: c.-7-1803dup (NM_001408458.1, NM_001407931.1, NM_001407747.1 and 99 more transcripts); c.-218-13476dup (NM_001407967.1, NM_001407966.1); c.-169-3380dup (NM_001407959.1, NM_001407962.1, NM_001408512.1 and 3 more transcripts); c.-54-1803dup (NM_001407885.1, NM_001407886.1, NM_001407898.1 and 58 more transcripts); c.135-1803dup (NM_001407686.1, NM_001408397.1, NM_001407632.1 and 167 more transcripts); c.81-3380dup (NM_001408451.1); c.135-3380dup (NM_001408475.1, NM_001407875.1, NM_001407659.1 and 21 more transcripts); c.-170+2129dup (NM_001407965.1).
Identifiers: ClinVar variation 264791 (VCV000264791.2), dbSNP rs34608699, ClinGen allele CA10588242.
Genomic context (GRCh38, chr17:43,108,335, plus strand): 5'-TTACAGTGAGCCAATATTGCACCATTGCATTCCAGCCTGGGCAACAGAGTGAGATTGTGC[C>CA]AAAAAAAAAAAAAAGGCATTGGGAATTGTGAGAAAAGACACTTAGAGAATATTTTTTACT-3'